The following is an entry in ClinVar:

NM_001365951.3(KIF1B):c.1447A>G (p.Ile483Val)

Gene: KIF1B (kinesin family member 1B; plus strand). Cytogenetic location: 1p36.22.
Variant type: single nucleotide variant.
Coding change: c.1447A>G on transcript NM_001365951.3 (MANE Select); coding-DNA position 1447, A replaced by G.
Protein change: p.Ile483Val; replaces isoleucine 483 with valine.
Molecular consequence: missense variant.
Genome position (GRCh38, 1-based): chr1:10,291,094, A>G. VCF-style: chr1-10291094-A-G. GRCh37 (hg19) VCF-style: chr1-10351152-A-G.
Other names: c.1447A>G, p.Ile483Val (NM_001365952.1); c.1309A>G, p.Ile437Val (NM_001365953.1, NM_015074.3, NM_183416.4); short protein forms I483V, I437V.
Identifiers: ClinVar variation 4844573 (VCV004844573.1).

ClinVar aggregate classification (germline): Uncertain significance (1 of 4 stars; one submission).

Submission:

Ambry Genetics
Classification: Uncertain significance. Last evaluated: 2026-01-18. Review status: criteria provided, single submitter. Criteria: Ambry Variant Classification Scheme 2023. Collection method: clinical testing. Allele origin: germline.
Comment: The p.I437V variant (also known as c.1309A>G), located in coding exon 13 of the KIF1B gene, results from an A to G substitution at nucleotide position 1309. The isoleucine at codon 437 is replaced by valine, an amino acid with highly similar properties. This amino acid position is conserved. In addition, the in silico prediction for this alteration is inconclusive. Based on the available evidence, the clinical significance of this variant remains unclear.